The following is an entry in ClinVar:

NM_005609.4(PYGM):c.1029delinsAGA (p.Ser344fs)

Gene: PYGM (glycogen phosphorylase, muscle associated; minus strand). Cytogenetic location: 11q13.1.
Variant type: Indel.
Coding change: c.1029delinsAGA on transcript NM_005609.4 (MANE Select); coding-DNA position 1029, C replaced by AGA.
Protein change: p.Ser344fs; shifts the reading frame from serine 344.
Molecular consequence: frameshift variant.
Genome position (GRCh38, 1-based): chr11:64,754,316, G replaced by TCT on the plus strand (C replaced by AGA on the coding strand, the reverse complement: PYGM is on the minus strand). VCF-style: chr11-64754316-G-TCT. GRCh37 (hg19) VCF-style: chr11-64521788-G-TCT.
Other names: c.765delinsAGA, p.Ser256fs (NM_001164716.1); short protein forms S256fs, S344fs.
Identifiers: ClinVar variation 5014233 (VCV005014233.1).

ClinVar aggregate classification (germline): Pathogenic (1 of 4 stars; one submission).

Conditions:
Glycogen storage disease, type V (GSD5). Also called: MCARDLE DISEASE; MUSCLE GLYCOGEN PHOSPHORYLASE DEFICIENCY; MYOPHOSPHORYLASE DEFICIENCY; PYGM DEFICIENCY; McArdle type glycogen storage disease. Identifiers: Orphanet 368, MedGen C0017924, MONDO:0009293, OMIM 232600.

Submission:

Myriad Genetics, Inc.
Classification: Pathogenic for Glycogen storage disease, type V. Last evaluated: 2025-03-20. Review status: criteria provided, single submitter. Criteria: Myriad Autosomal Dominant, Autosomal Recessive and X-Linked Classification Criteria (2023). Collection method: clinical testing. Allele origin: unknown.
Comment: NM_005609.2(PYGM):c.1029delCinsAGA(S344Dfs*8) is expected to be pathogenic in the context of glycogen storage disease, PYGM-related. This variant is predicted to lead to an abnormal or absent protein product due to the creation of a premature termination codon in PYGM, a gene where loss-of-function variants are known to be pathogenic. Please note: this variant was assessed in the context of healthy population screening.